The following is an entry in ClinVar:

NM_144991.3(TSPEAR):c.1857-5C>T

Gene: TSPEAR (thrombospondin type laminin G domain and EAR repeats; minus strand). Cytogenetic location: 21q22.3.
Variant type: single nucleotide variant.
Coding change: c.1857-5C>T on transcript NM_144991.3 (MANE Select); 5 bases into the intron before coding-DNA position 1857, C replaced by T.
Molecular consequence: intron variant.
Genome position (GRCh38, 1-based): chr21:44,499,941, G>A on the plus strand (C>T on the coding strand, the complement: TSPEAR is on the minus strand). VCF-style: chr21-44499941-G-A. GRCh37 (hg19) VCF-style: chr21-45919824-G-A.
Other names: c.1653-5C>T (NM_001272037.2); c.1857-5C>T (NM_144991.2).
Identifiers: ClinVar variation 1576827 (VCV001576827.10), dbSNP rs201633203, ClinGen allele CA10056284.

ClinVar aggregate classification (germline): Likely benign. Review status: criteria provided, multiple submitters, no conflicts (2 of 4 stars). 3 submissions from 3 submitters: Likely benign (3). Last evaluated 2025-04-24.

Conditions:
TSPEAR-related disorder. Also called: TSPEAR-related condition.

Allele frequency attached by ClinVar (database versions not stated): ESP Exome Variant Server 0.00008; gnomAD 0.00014; ExAC 0.00015; TOPMed 0.00015; gnomAD exomes 0.00016 and 0.00022; 1000 Genomes Project 30x 0.00031; 1000 Genomes Project 0.00040.
gnomAD v4.1: 338 of 1,601,900 alleles (0.021%); highest among the groups gnomAD compares: Admixed American, 0.039%; no homozygotes.

Submissions (3):

PreventionGenetics, part of Exact Sciences
Classification: Likely benign for TSPEAR-related condition. Last evaluated: 2025-04-24. Review status: criteria provided, single submitter. Criteria: ACMG Guidelines, 2015. Collection method: clinical testing. Allele origin: germline.
Comment: This variant is classified as likely benign based on ACMG/AMP sequence variant interpretation guidelines (Richards et al. 2015 PMID: 25741868, with internal and published modifications).

Labcorp Genetics (formerly Invitae), Labcorp
Classification: Likely benign. Last evaluated: 2025-04-01. Review status: criteria provided, single submitter. Criteria: Invitae Variant Classification Sherloc (09022015). Collection method: clinical testing. Allele origin: germline.

Blueprint Genetics
Classification: Likely benign. Last evaluated: 2024-10-30. Review status: criteria provided, single submitter. Criteria: ACMG Guidelines, 2015. Collection method: clinical testing. Allele origin: germline.